The following is an entry in ClinVar:

ClinVar aggregate classification (germline): Likely pathogenic (1 of 4 stars; one submission).

Conditions:
Purine-nucleoside phosphorylase deficiency. Also called: NUCLEOSIDE PHOSPHORYLASE DEFICIENCY; Immunodeficiency due to purine nucleoside phosphorylase deficiency. Identifiers: Orphanet 760, MedGen C0268125, MONDO:0013171, OMIM 613179.

Submission:

Labcorp Genetics (formerly Invitae), Labcorp
Classification: Likely pathogenic for Purine-nucleoside phosphorylase deficiency. Last evaluated: 2022-11-15. Review status: criteria provided, single submitter. Criteria: Invitae Variant Classification Sherloc (09022015). Collection method: clinical testing. Allele origin: germline.
Comment: In summary, the currently available evidence indicates that the variant is pathogenic, but additional data are needed to prove that conclusively. Therefore, this variant has been classified as Likely Pathogenic. Experimental studies and prediction algorithms are not available or were not evaluated, and the functional significance of this variant is currently unknown. This variant is also known as 385del3 deltaI129. This variant has been observed in individual(s) with purine nucleoside phosphorylase deficiency (PMID: 9067751, 24767876; Invitae). In at least one individual the data is consistent with being in trans (on the opposite chromosome) from a pathogenic variant. This variant is not present in population databases (gnomAD no frequency). This variant, c.387_389del, results in the deletion of 1 amino acid(s) of the PNP protein (p.Ile129del), but otherwise preserves the integrity of the reading frame.

Literature cited by the submitters: PubMed 9067751; PubMed 24767876.

NM_000270.4(PNP):c.387_389del (p.Ile129del)

Gene: PNP (purine nucleoside phosphorylase; plus strand). Cytogenetic location: 14q11.2.
Variant type: Deletion.
Coding change: c.387_389del on transcript NM_000270.4 (MANE Select); coding-DNA positions 387 to 389, 3 bases deleted (CAT; older notation c.387_389delCAT).
Protein change: p.Ile129del; deletes isoleucine 129.
Molecular consequence: inframe deletion.
Genome position (GRCh38, 1-based): chr14:20,474,874-20,474,876, CAT deleted; deleting any 3 consecutive bases within chr14:20,474,872-20,474,876 gives the same sequence; the c. name uses the placement nearest the transcript's 3' end. VCF-style (leftmost placement, unchanged base first): chr14-20474871-TATC-T. GRCh37 (hg19) VCF-style: chr14-20943030-TATC-T.
Other names: short protein forms I129del.
Identifiers: ClinVar variation 2137547 (VCV002137547.4), dbSNP rs1368860049, ClinGen allele CA704020935.